The following is an entry in ClinVar:

NM_021954.4(GJA3):c.268C>T (p.Leu90Phe)

Gene: GJA3 (gap junction protein alpha 3; minus strand). Cytogenetic location: 13q12.11.
Variant type: single nucleotide variant.
Coding change: c.268C>T on transcript NM_021954.4 (MANE Select); coding-DNA position 268, C replaced by T.
Protein change: p.Leu90Phe; replaces leucine 90 with phenylalanine.
Molecular consequence: missense variant.
Genome position (GRCh38, 1-based): chr13:20,143,021, G>A on the plus strand (C>T on the coding strand, the complement: GJA3 is on the minus strand). VCF-style: chr13-20143021-G-A. GRCh37 (hg19) VCF-style: chr13-20717160-G-A.
Other names: short protein forms L90F.
Identifiers: ClinVar variation 3253688 (VCV003253688.1), dbSNP rs2141138283.

ClinVar aggregate classification (germline): Uncertain significance (1 of 4 stars; one submission).

Conditions:
Cataract 14 multiple types. Also called: CATARACT 14, ZONULAR PULVERULENT; CATARACT 14, NUCLEAR PULVERULENT; CATARACT 14, NUCLEAR PULVERULENT AND POSTERIOR POLAR; CATARACT 14, NUCLEAR CORALLIFORM; CATARACT 14, EMBRYONAL NUCLEAR; CATARACT 14, COPPOCK-LIKE. Identifiers: Orphanet 91492, MedGen C1866078, MONDO:0011162, OMIM 601885.

Allele frequency attached by ClinVar (database versions not stated): gnomAD 0.00001.
gnomAD v4.1: 1 of 1,611,514 alleles (0.000062%); highest among the groups gnomAD compares: East Asian, 0.0022%; no homozygotes.

Submission:

Dept. Genetics and Cancer, Menzies Institute for Medical Research, University of Tasmania
Classification: Uncertain significance for Cataract 14 multiple types. Last evaluated: 2023-01-21. Review status: criteria provided, single submitter. Criteria: ACMG Guidelines, 2015. Collection method: curation. Allele origin: germline. Affected: yes.
Comment: Variant identified and curated during a GJA3 specific review of the literature in relation to pediatric or congenital cataract. ACMG-AMP criteria applied: PM1, PM2(Supporting), PP1, PP3. Original variant report: PMID:25549162. The cataract phenotype reported for this variant is: Nuclear with lamellar opacity. Gene review and curation guidelines are outlined in: DOI 10.1080/17469899.2023.2160320

Literature cited by the submitters: PubMed 25549162.